The following is an entry in ClinVar:

NM_007294.4(BRCA1):c.891G>A (p.Met297Ile)

Gene: BRCA1 (BRCA1 DNA repair associated; minus strand). Cytogenetic location: 17q21.31.
Variant type: single nucleotide variant.
Coding change: c.891G>A on transcript NM_007294.4 (MANE Select); coding-DNA position 891, G replaced by A.
Protein change: p.Met297Ile; replaces methionine 297 with isoleucine.
Molecular consequence: missense variant. On other transcripts: initiator codon variant (2), intron variant (137).
Genome position (GRCh38, 1-based): chr17:43,094,640, C>T on the plus strand (G>A on the coding strand, the complement: BRCA1 is on the minus strand). VCF-style: chr17-43094640-C-T. GRCh37 (hg19) VCF-style: chr17-41246657-C-T.
Other names: p.M297I:ATG>ATA; 1010G>A; c.888G>A, p.Met296Ile (NM_001407611.1, NM_001407612.1, NM_001407613.1 and 22 more transcripts); c.891G>A, p.Met297Ile (NM_001407616.1, NM_001407617.1, NM_001407618.1 and 30 more transcripts); c.813G>A, p.Met271Ile (NM_001407653.1, NM_001407654.1, NM_001407655.1 and 4 more transcripts); c.810G>A, p.Met270Ile (NM_001407659.1, NM_001407660.1, NM_001407661.1 and 1 more transcripts); c.765G>A, p.Met255Ile (NM_001407671.1, NM_001407672.1, NM_001407673.1 and 11 more transcripts); c.768G>A, p.Met256Ile (NM_001407674.1, NM_001407675.1, NM_001407676.1 and 19 more transcripts); and 42 more; short protein forms M297I, M250I, M129I, M208I, M227I, M229I, M230I, M271I.
Identifiers: ClinVar variation 55743 (VCV000055743.24), dbSNP rs80357103, ClinGen allele CA003952.

ClinVar aggregate classification (germline): Benign. Review status: reviewed by expert panel (3 of 4 stars). 8 submissions from 8 submitters: Benign (1). 7 of the submissions do not count toward it. Last evaluated 2015-08-10.

Conditions:
Hereditary cancer-predisposing syndrome. Also called: Hereditary Cancer Syndrome; Hereditary neoplastic syndrome; Neoplastic Syndromes, Hereditary; Tumor predisposition. Identifiers: Orphanet 140162, MedGen C0027672, MeSH D009386, MONDO:0015356.
Hereditary breast ovarian cancer syndrome. Also called: BRCA1- and BRCA2-Associated Hereditary Breast and Ovarian Cancer; Hereditary breast and ovarian cancer syndrome; Hereditary breast and ovarian cancer syndrome (HBOC); Breast and ovarian cancer; Hereditary breast and/or ovarian cancer syndrome; Hereditary breast and ovarian cancer. Identifiers: Orphanet 145, MedGen C0677776, MeSH D061325, MONDO:0003582. Disease mechanism: loss of function.
Breast-ovarian cancer, familial, susceptibility to, 1 (BROVCA1). Also called: BRCA1 Hereditary Breast and Ovarian Cancer; OVARIAN CANCER, SUSCEPTIBILITY TO. Identifiers: Orphanet 145, MedGen C2676676, MONDO:0011450, OMIM 604370. Disease mechanism: loss of function.

Allele frequency attached by ClinVar (database versions not stated): gnomAD exomes below 0.00001; TOPMed 0.00003; gnomAD 0.00002; ExAC 0.00001.
gnomAD v4.1: 3 of 1,614,034 alleles (0.00019%); highest among the groups gnomAD compares: African/African-American, 0.004%; no homozygotes.

Submissions (8):

Evidence-based Network for the Interpretation of Germline Mutant Alleles (ENIGMA)
Classification: Benign for Breast-ovarian cancer, familial 1. Last evaluated: 2015-08-10. Review status: reviewed by expert panel. Criteria: ENIGMA BRCA1/2 Classification Criteria (2015). Collection method: curation. Allele origin: germline.
Comment: IARC class based on posterior probability from multifactorial likelihood analysis, thresholds for class as per Plon et al. 2008 (PMID: 18951446). Class 1 based on posterior probability = 0.0000634

Labcorp Genetics (formerly Invitae), Labcorp
Classification: Benign for Hereditary breast ovarian cancer syndrome. Last evaluated: 2026-01-26. Review status: criteria provided, single submitter. Criteria: Invitae Variant Classification Sherloc (09022015). Collection method: clinical testing. Allele origin: germline. Not counted in ClinVar's aggregate classification.

All of Us Research Program, National Institutes of Health
Classification: Likely benign for Breast-ovarian cancer, familial, susceptibility to, 1. Last evaluated: 2023-08-15. Review status: criteria provided, single submitter. Criteria: ACMG Guidelines, 2015. Collection method: clinical testing. Allele origin: germline. Inheritance: Autosomal dominant inheritance. Observed: 2 variant alleles, 2 heterozygotes. Not counted in ClinVar's aggregate classification.
Comment: This study involves interpretation of variants in research participants for the purpose of population health screening. Participant phenotype was not available at the time of variant classification. Additional details can be found in publication PMID: 35346344, PMCID: PMC8962531

GeneDx
Classification: Likely benign. Last evaluated: 2021-03-19. Review status: criteria provided, single submitter. Criteria: GeneDx Variant Classification Process June 2021. Collection method: clinical testing. Allele origin: germline. Affected: yes. Not counted in ClinVar's aggregate classification.
Comment: This variant is associated with the following publications: (PMID: 22753008, 21990134, 17924331, 18951461, 16267036, 15235020)

Color Diagnostics, LLC DBA Color Health
Classification: Likely benign for Hereditary cancer-predisposing syndrome. Last evaluated: 2019-04-22. Review status: criteria provided, single submitter. Criteria: ACMG Guidelines, 2015. Collection method: clinical testing. Allele origin: germline. Not counted in ClinVar's aggregate classification.

Ambry Genetics
Classification: Benign for Hereditary cancer-predisposing syndrome. Last evaluated: 2014-11-18. Review status: criteria provided, single submitter. Criteria: Ambry Variant Classification Scheme 2023. Collection method: clinical testing. Allele origin: germline. Not counted in ClinVar's aggregate classification.

Counsyl
Classification: Likely benign for Breast-ovarian cancer, familial 1. Last evaluated: 2014-07-15. Review status: no assertion criteria provided. Collection method: literature only. Allele origin: unknown. Inheritance: Autosomal dominant inheritance. Not counted in ClinVar's aggregate classification.

Breast Cancer Information Core (BIC) (BRCA1)
Classification: Uncertain significance for Breast-ovarian cancer, familial 1. Last evaluated: 2004-02-20. Review status: no assertion criteria provided. Collection method: clinical testing. Allele origin: germline. Affected: yes. Observed: 2 variant alleles. Not counted in ClinVar's aggregate classification.

Literature cited by the submitters: PubMed 21990134 (cited by Evidence-based Network for the Interpretation of Germline Mutant Alleles (ENIGMA)); PubMed 16267036 (cited by Counsyl); PubMed 17924331 (cited by Counsyl); PubMed 15235020 (cited by Counsyl).